The following is an entry in ClinVar:

NM_133510.4(RAD51B):c.133A>G (p.Ser45Gly)

Gene: RAD51B (RAD51 paralog B; plus strand). Cytogenetic location: 14q24.1.
Variant type: single nucleotide variant.
Coding change: c.133A>G on transcript NM_133510.4 (MANE Select); coding-DNA position 133, A replaced by G.
Protein change: p.Ser45Gly; replaces serine 45 with glycine.
Molecular consequence: missense variant. On other transcripts: 5 prime UTR variant (1).
Genome position (GRCh38, 1-based): chr14:67,825,512, A>G. VCF-style: chr14-67825512-A-G. GRCh37 (hg19) VCF-style: chr14-68292229-A-G.
Other names: c.133A>G, p.Ser45Gly (NM_001321809.2, NM_001321810.2, NM_001321812.1 and 6 more transcripts); c.19A>G, p.Ser7Gly (NM_001321815.1); c.-323A>G (NM_001321817.2); short protein forms S45G, S7G.
Identifiers: ClinVar variation 4149827 (VCV004149827.1).

ClinVar aggregate classification (germline): Uncertain significance (1 of 4 stars; one submission).

gnomAD v4.1: 1 of 1,613,794 alleles (0.000062%); no homozygotes.

Submission:

Ambry Genetics
Classification: Uncertain significance. Last evaluated: 2025-07-14. Review status: criteria provided, single submitter. Criteria: Ambry Variant Classification Scheme 2023. Collection method: clinical testing. Allele origin: germline.
Comment: The p.S45G variant (also known as c.133A>G), located in coding exon 2 of the RAD51B gene, results from an A to G substitution at nucleotide position 133. The serine at codon 45 is replaced by glycine, an amino acid with similar properties. This amino acid position is conserved. In addition, this alteration is predicted to be tolerated by in silico analysis. Based on the available evidence, the clinical significance of this variant remains unclear.